The following is an entry in ClinVar:

ClinVar aggregate classification (germline): Uncertain significance. Review status: criteria provided, multiple submitters, no conflicts (2 of 4 stars). 4 submissions from 4 submitters: Uncertain significance (4). Last evaluated 2025-05-16.

Conditions:
Familial acute necrotizing encephalopathy (IIAE3). Also called: ENCEPHALOPATHY, ACUTE, INFECTION-INDUCED, SUSCEPTIBILITY TO, 3; Susceptibility to Acute Necrotizing Encephalopathy 1. Identifiers: Orphanet 88619, MedGen C2675556, MONDO:0011953, OMIM 608033.

Allele frequency attached by ClinVar (database versions not stated): ExAC 0.00011; gnomAD exomes 0.00012; TOPMed 0.00012; gnomAD 0.00014; ESP Exome Variant Server 0.00015; 1000 Genomes Project 30x 0.00016; 1000 Genomes Project 0.00020.
gnomAD v4.1: 357 of 1,610,824 alleles (0.022%); highest among the groups gnomAD compares: Non-Finnish European, 0.029%; 1 homozygote.

Submissions (4):

Ambry Genetics
Classification: Uncertain significance. Last evaluated: 2025-05-16. Review status: criteria provided, single submitter. Criteria: Ambry Variant Classification Scheme 2023. Collection method: clinical testing. Allele origin: germline.

Fulgent Genetics
Classification: Uncertain significance for Familial acute necrotizing encephalopathy. Last evaluated: 2021-11-29. Review status: criteria provided, single submitter. Criteria: ACMG Guidelines, 2015. Collection method: clinical testing. Allele origin: unknown.

Labcorp Genetics (formerly Invitae), Labcorp
Classification: Uncertain significance for Familial acute necrotizing encephalopathy. Last evaluated: 2020-10-07. Review status: criteria provided, single submitter. Criteria: Invitae Variant Classification Sherloc (09022015). Collection method: clinical testing. Allele origin: germline.
Comment: This sequence change replaces proline with leucine at codon 512 of the RANBP2 protein (p.Pro512Leu). The proline residue is highly conserved and there is a moderate physicochemical difference between proline and leucine. This variant is present in population databases (rs377029115, ExAC 0.02%), and has an allele count higher than expected for a pathogenic variant (PMID: 28166811). This variant has not been reported in the literature in individuals with RANBP2-related disease. ClinVar contains an entry for this variant (Variation ID: 377321). Algorithms developed to predict the effect of missense changes on protein structure and function do not agree on the potential impact of this missense change (SIFT: "Deleterious"; PolyPhen-2: "Benign"; Align-GVGD: "Class C65"). In summary, the available evidence is currently insufficient to determine the role of this variant in disease. Therefore, it has been classified as a Variant of Uncertain Significance.

Center for Pediatric Genomic Medicine, Children's Mercy Hospital and Clinics
Classification: Uncertain significance. Last evaluated: 2016-12-30. Review status: criteria provided, single submitter. Criteria: ACMG Guidelines, 2015. Collection method: clinical testing. Allele origin: germline.
ClinVar note: Converted during submission from Uncertain Significance to Uncertain significance.

Literature cited by the submitters: PubMed 28166811 (cited by Labcorp Genetics (formerly Invitae), Labcorp).

NM_006267.5(RANBP2):c.1535C>T (p.Pro512Leu)

Gene: RANBP2 (RAN binding protein 2; plus strand). Cytogenetic location: 2q13.
Variant type: single nucleotide variant.
Coding change: c.1535C>T on transcript NM_006267.5 (MANE Select); coding-DNA position 1535, C replaced by T.
Protein change: p.Pro512Leu; replaces proline 512 with leucine.
Molecular consequence: missense variant.
Genome position (GRCh38, 1-based): chr2:108,751,607, C>T. VCF-style: chr2-108751607-C-T. GRCh37 (hg19) VCF-style: chr2-109368063-C-T.
Other names: short protein forms P512L.
Identifiers: ClinVar variation 377321 (VCV000377321.14), dbSNP rs377029115, ClinGen allele CA1822349.
Genomic context (GRCh38, chr2:108,751,607, plus strand): 5'-TATATACCAGCCACTTACAATTAAAGGAGAAATGTAATTCTCACCACAGCTCCTATCAGC[C>T]GTTATGCCTGCCCCTTCCTGTGTGTAAACAGCTTTGTACAGAAAGACAAAAATCTTGGTG-3'
Protein context (NP_006258.3, residues 502-522): KCNSHHSSYQ[Pro512Leu]LCLPLPVCKQ